The following is an entry in ClinVar:

NM_005245.4(FAT1):c.1654G>A (p.Glu552Lys)

Gene: FAT1 (FAT atypical cadherin 1; minus strand). Cytogenetic location: 4q35.2.
Variant type: single nucleotide variant.
Coding change: c.1654G>A on transcript NM_005245.4 (MANE Select); coding-DNA position 1654, G replaced by A.
Protein change: p.Glu552Lys; replaces glutamic acid 552 with lysine.
Molecular consequence: missense variant.
Genome position (GRCh38, 1-based): chr4:186,708,174, C>T on the plus strand (G>A on the coding strand, the complement: FAT1 is on the minus strand). VCF-style: chr4-186708174-C-T. GRCh37 (hg19) VCF-style: chr4-187629328-C-T.
Other names: short protein forms E552K.
Identifiers: ClinVar variation 2417827 (VCV002417827.3), dbSNP rs772458580, ClinGen allele CA3167420.
Genomic context (GRCh38, chr4:186,708,174, plus strand): 5'-TTTTCTCAAACAAAGGTGTGTTGTCATTCAAGTTATTGAGAGTAATTGTAGCAAGGACTT[C>T]GACTTCCCGGCGGTACGGCAAGCCCCAGTCTGATGCACGAATCCTCAGAGTATAAACCCG-3'
Protein context (NP_005236.2, residues 542-562): DWGLPYRREV[Glu552Lys]VLATITLNNL

ClinVar aggregate classification (germline): Uncertain significance (1 of 4 stars; one submission).

gnomAD v4.1: 28 of 1,613,856 alleles (0.0017%); highest among the groups gnomAD compares: African/African-American, 0.0027%; no homozygotes.

Submission:

Labcorp Genetics (formerly Invitae), Labcorp
Classification: Uncertain significance. Last evaluated: 2022-07-19. Review status: criteria provided, single submitter. Criteria: Invitae Variant Classification Sherloc (09022015). Collection method: clinical testing. Allele origin: germline.
Comment: This sequence change replaces glutamic acid, which is acidic and polar, with lysine, which is basic and polar, at codon 552 of the FAT1 protein (p.Glu552Lys). This variant is present in population databases (rs772458580, gnomAD 0.002%). This variant has not been reported in the literature in individuals affected with FAT1-related conditions. Algorithms developed to predict the effect of missense changes on protein structure and function (SIFT, PolyPhen-2, Align-GVGD) all suggest that this variant is likely to be disruptive. In summary, the available evidence is currently insufficient to determine the role of this variant in disease. Therefore, it has been classified as a Variant of Uncertain Significance.